The following is an entry in ClinVar:

NM_025179.4(PLXNA2):c.2706G>A (p.Thr902=)

Gene: PLXNA2 (plexin A2; minus strand). Cytogenetic location: 1q32.2.
Variant type: single nucleotide variant.
Coding change: c.2706G>A on transcript NM_025179.4 (MANE Select); coding-DNA position 2706, G replaced by A.
Protein change: p.Thr902=; no amino-acid change (threonine 902 retained).
Molecular consequence: synonymous variant.
Genome position (GRCh38, 1-based): chr1:208,060,718, C>T on the plus strand (G>A on the coding strand, the complement: PLXNA2 is on the minus strand). VCF-style: chr1-208060718-C-T. GRCh37 (hg19) VCF-style: chr1-208234063-C-T.
Identifiers: ClinVar variation 719613 (VCV000719613.11), dbSNP rs150738287, ClinGen allele CA1373434.

ClinVar aggregate classification (germline): Benign. Review status: criteria provided, single submitter (1 of 4 stars). 2 submissions from 2 submitters: Benign (1). 1 of the submissions does not count toward it. Last evaluated 2025-12-06.

Conditions:
PLXNA2-related disorder. Also called: PLXNA2-related condition.

Allele frequency attached by ClinVar (database versions not stated): ESP Exome Variant Server 0.00015; gnomAD 0.00036 and 0.00045; TOPMed 0.00040; gnomAD exomes 0.00074; ExAC 0.00077; 1000 Genomes Project 0.00240; 1000 Genomes Project 30x 0.00265.
gnomAD v4.1: 640 of 1,613,830 alleles (0.04%); highest among the groups gnomAD compares: East Asian, 0.82%; 7 homozygotes.

Submissions (2):

Labcorp Genetics (formerly Invitae), Labcorp
Classification: Benign. Last evaluated: 2025-12-06. Review status: criteria provided, single submitter. Criteria: Invitae Variant Classification Sherloc (09022015). Collection method: clinical testing. Allele origin: germline.

PreventionGenetics, part of Exact Sciences
Classification: Likely benign for PLXNA2-related condition. Last evaluated: 2021-12-30. Review status: no assertion criteria provided. Collection method: clinical testing. Allele origin: germline. Not counted in ClinVar's aggregate classification.
Comment: This variant is classified as likely benign based on ACMG/AMP sequence variant interpretation guidelines (Richards et al. 2015 PMID: 25741868, with internal and published modifications).